The following is an entry in ClinVar:

ClinVar aggregate classification (germline): Uncertain significance (1 of 4 stars; one submission).

Conditions:
Catecholaminergic polymorphic ventricular tachycardia 1. Also called: VENTRICULAR TACHYCARDIA, CATECHOLAMINERGIC POLYMORPHIC, 1, WITH OR WITHOUT ATRIAL DYSFUNCTION AND/OR DILATED CARDIOMYOPATHY; VENTRICULAR TACHYCARDIA, STRESS-INDUCED POLYMORPHIC 1; RYR2-Related Catecholaminergic Polymorphic Ventricular Tachycardia. Identifiers: Orphanet 3286, MedGen C1631597, MONDO:0011484, OMIM 604772.

Allele frequency attached by ClinVar (database versions not stated): gnomAD exomes 0.00001; TOPMed 0.00001.
gnomAD v4.1: 5 of 1,608,064 alleles (0.00031%); highest among the groups gnomAD compares: East Asian, 0.0022%; no homozygotes.

Submission:

Labcorp Genetics (formerly Invitae), Labcorp
Classification: Uncertain significance for Catecholaminergic polymorphic ventricular tachycardia 1. Last evaluated: 2021-08-27. Review status: criteria provided, single submitter. Criteria: Invitae Variant Classification Sherloc (09022015). Collection method: clinical testing. Allele origin: germline.
Comment: This sequence change falls in intron 25 of the TRDN gene. It does not directly change the encoded amino acid sequence of the TRDN protein, but it affects a nucleotide within the consensus splice site of the intron. This variant is not present in population databases (ExAC no frequency). This variant has not been reported in the literature in individuals with TRDN-related conditions. Nucleotide substitutions within the consensus splice site are a relatively common cause of aberrant splicing (PMID: 17576681, 9536098). Algorithms developed to predict the effect of sequence changes on RNA splicing suggest that this variant may disrupt the consensus splice site, but this prediction has not been confirmed by published transcriptional studies. In summary, the available evidence is currently insufficient to determine the role of this variant in disease. Therefore, it has been classified as a Variant of Uncertain Significance.

Literature cited by the submitters: PubMed 17576681; PubMed 9536098.

NM_006073.4(TRDN):c.1537+5G>A

Gene: TRDN (triadin; minus strand). Cytogenetic location: 6q22.31.
Variant type: single nucleotide variant.
Coding change: c.1537+5G>A on transcript NM_006073.4 (MANE Select); 5 bases into the intron after coding-DNA position 1537, G replaced by A.
Molecular consequence: intron variant.
Genome position (GRCh38, 1-based): chr6:123,279,051, C>T on the plus strand (G>A on the coding strand, the complement: TRDN is on the minus strand). VCF-style: chr6-123279051-C-T. GRCh37 (hg19) VCF-style: chr6-123600196-C-T.
Identifiers: ClinVar variation 1044751 (VCV001044751.5), dbSNP rs1418472166, ClinGen allele CA570332320.